The following is an entry in ClinVar:

NM_001369268.1(ACAN):c.734A>G (p.Tyr245Cys)

Gene: ACAN (aggrecan; plus strand). Cytogenetic location: 15q26.1.
Variant type: single nucleotide variant.
Coding change: c.734A>G on transcript NM_001369268.1 (MANE Select); coding-DNA position 734, A replaced by G.
Protein change: p.Tyr245Cys; replaces tyrosine 245 with cysteine.
Molecular consequence: missense variant.
Genome position (GRCh38, 1-based): chr15:88,841,844, A>G. VCF-style: chr15-88841844-A-G. GRCh37 (hg19) VCF-style: chr15-89385075-A-G.
Other names: c.734A>G, p.Tyr245Cys (NM_001135.4, NM_001411096.1, NM_001411097.1 and 1 more transcripts); short protein forms Y245C.
Identifiers: ClinVar variation 4855368 (VCV004855368.1).
Genomic context (GRCh38, chr15:88,841,844, plus strand): 5'-ATGAGTTTCCTGGTGTGAGGACGTATGGCATCCGAGACACCAACGAGACCTATGATGTGT[A>G]CTGCTTCGCCGAGGAGATGGAGGGTGAGCTGCCCTGCCCACCAGGAGGCACCCAGCTCCC-3'
Protein context (NP_001356197.1, residues 235-255): IRDTNETYDV[Tyr245Cys]CFAEEMEGEV

ClinVar aggregate classification (germline): Uncertain significance (1 of 4 stars; one submission).

Conditions:
ACAN-related disorder. Also called: ACAN-related condition; ACAN-related disorders.

Submission:

3billion
Classification: Uncertain significance for ACAN-related disorder. Last evaluated: 2025-12-06. Review status: criteria provided, single submitter. Criteria: ACMG Guidelines, 2015. Collection method: clinical testing. Allele origin: germline. Affected: yes.
Comment: The variant is not observed in the gnomAD v4.1.0 dataset. Predicted Consequence/Location: Missense variant. The majority of the known disease-causing variants of this gene are variants expected to result in premature termination of the protein. In silico tool predictions suggest damaging effect of the variant on gene or gene product [REVEL: 0.61 (>=0.6, sensitivity 0.68 and specificity 0.92)]. Different missense changes at the same codon have been reported as of uncertain significance (ClinVar ID: VCV002696969). Therefore, this variant is classified as VUS according to the recommendation of ACMG/AMP guideline.